The following is an entry in ClinVar:

ClinVar aggregate classification (germline): Uncertain significance (1 of 4 stars; one submission).

gnomAD v4.1: 2 of 1,614,084 alleles (0.00012%); highest among the groups gnomAD compares: Non-Finnish European, 0.00017%; no homozygotes.

Submission:

Labcorp Genetics (formerly Invitae), Labcorp
Classification: Uncertain significance. Last evaluated: 2025-09-10. Review status: criteria provided, single submitter. Criteria: Invitae Variant Classification Sherloc (09022015). Collection method: clinical testing. Allele origin: germline.
Comment: This sequence change replaces glycine, which is neutral and non-polar, with arginine, which is basic and polar, at codon 1868 of the ALPK3 protein (p.Gly1868Arg). This variant is not present in population databases (gnomAD no frequency). This variant has not been reported in the literature in individuals affected with ALPK3-related conditions. Invitae Evidence Modeling of protein sequence and biophysical properties (such as structural, functional, and spatial information, amino acid conservation, physicochemical variation, residue mobility, and thermodynamic stability) indicates that this missense variant is expected to disrupt ALPK3 protein function with a positive predictive value of 80%. In summary, the available evidence is currently insufficient to determine the role of this variant in disease. Therefore, it has been classified as a Variant of Uncertain Significance.

NM_020778.5(ALPK3):c.4996G>C (p.Gly1666Arg)

Gene: ALPK3 (alpha kinase 3; plus strand). Cytogenetic location: 15q25.3.
Variant type: single nucleotide variant.
Coding change: c.4996G>C on transcript NM_020778.5 (MANE Select); coding-DNA position 4996, G replaced by C.
Protein change: p.Gly1666Arg; replaces glycine 1666 with arginine.
Molecular consequence: missense variant.
Genome position (GRCh38, 1-based): chr15:84,868,334, G>C. VCF-style: chr15-84868334-G-C. GRCh37 (hg19) VCF-style: chr15-85411565-G-C.
Other names: short protein forms G1666R.
Identifiers: ClinVar variation 4769767 (VCV004769767.1).